The following is an entry in ClinVar:

NM_020232.5(PSMG2):c.731G>A (p.Arg244Gln)

Gene: PSMG2 (proteasome assembly chaperone 2; plus strand). Cytogenetic location: 18p11.21.
Variant type: single nucleotide variant.
Coding change: c.731G>A on transcript NM_020232.5 (MANE Select); coding-DNA position 731, G replaced by A.
Protein change: p.Arg244Gln; replaces arginine 244 with glutamine.
Molecular consequence: missense variant.
Genome position (GRCh38, 1-based): chr18:12,725,467, G>A. VCF-style: chr18-12725467-G-A. GRCh37 (hg19) VCF-style: chr18-12725466-G-A.
Other names: p.Arg244Gln; c.638G>A, p.Arg213Gln (NM_147163.2); c.731G>A (NM_020232.4); short protein forms R244Q, R213Q.
Identifiers: ClinVar variation 1496904 (VCV001496904.8), dbSNP rs138065437, ClinGen allele CA8898500.

ClinVar aggregate classification (germline): Uncertain significance. Review status: criteria provided, multiple submitters, no conflicts (2 of 4 stars). 3 submissions from 3 submitters: Uncertain significance (3). Last evaluated 2026-02-01.

Allele frequency attached by ClinVar (database versions not stated): 1000 Genomes Project 30x 0.00016; gnomAD exomes 0.00017 and 0.00020; 1000 Genomes Project 0.00020; ExAC 0.00024; gnomAD 0.00041 and 0.00043; TOPMed 0.00041; ESP Exome Variant Server 0.00062.
gnomAD v4.1: 314 of 1,603,268 alleles (0.02%); highest among the groups gnomAD compares: African/African-American, 0.12%; no homozygotes.

Submissions (3):

Labcorp Genetics (formerly Invitae), Labcorp
Classification: Uncertain significance. Last evaluated: 2026-02-01. Review status: criteria provided, single submitter. Criteria: Invitae Variant Classification Sherloc (09022015). Collection method: clinical testing. Allele origin: germline.
Comment: This sequence change replaces arginine, which is basic and polar, with glutamine, which is neutral and polar, at codon 244 of the PSMG2 protein (p.Arg244Gln). This variant is present in population databases (rs138065437, gnomAD 0.1%), and has an allele count higher than expected for a pathogenic variant. This variant has not been reported in the literature in individuals affected with PSMG2-related conditions. ClinVar contains an entry for this variant (Variation ID: 1496904). An algorithm developed to predict the effect of missense changes on protein structure and function outputs the following: PolyPhen-2: "Benign". The glutamine amino acid residue is found in multiple mammalian species, which suggests that this missense change does not adversely affect protein function. In summary, the available evidence is currently insufficient to determine the role of this variant in disease. Therefore, it has been classified as a Variant of Uncertain Significance.

Mayo Clinic Laboratories, Mayo Clinic
Classification: Uncertain significance. Last evaluated: 2023-12-29. Review status: criteria provided, single submitter. Criteria: ACMG Guidelines, 2015. Collection method: clinical testing. Allele origin: germline. Observed: 1 variant allele.
Comment: BP4

Ambry Genetics
Classification: Uncertain significance. Last evaluated: 2021-08-09. Review status: criteria provided, single submitter. Criteria: Ambry Variant Classification Scheme 2023. Collection method: clinical testing. Allele origin: germline.